The following is an entry in ClinVar:

ClinVar aggregate classification (germline): Uncertain significance. Review status: criteria provided, multiple submitters, no conflicts (2 of 4 stars). 4 submissions from 4 submitters: Uncertain significance (4). Last evaluated 2025-02-05.

Conditions:
BBS7-related disorder. Also called: BBS7-related condition.
Bardet-Biedl syndrome (BBS). Identifiers: Orphanet 110, MedGen C0752166, MONDO:0015229.
Bardet-Biedl syndrome 7 (BBS7). Identifiers: Orphanet 110, MedGen C1859565, MONDO:0014435, OMIM 615984.
Inborn genetic diseases. Identifiers: MedGen C0950123, MeSH D030342.

Allele frequency attached by ClinVar (database versions not stated): ExAC 0.00001; gnomAD exomes 0.00001; gnomAD 0.00003; TOPMed 0.00003.
gnomAD v4.1: 21 of 1,612,878 alleles (0.0013%); highest among the groups gnomAD compares: Non-Finnish European, 0.0018%; no homozygotes.

Submissions (4):

PreventionGenetics, part of Exact Sciences
Classification: Uncertain significance for BBS7-related condition. Last evaluated: 2025-02-05. Review status: criteria provided, single submitter. Criteria: ACMG Guidelines, 2015. Collection method: clinical testing. Allele origin: germline.
Comment: The BBS7 c.94A>G variant is predicted to result in the amino acid substitution p.Thr32Ala. To our knowledge, this variant has not been reported in the literature. This variant is reported in 0.0026% of alleles in individuals of European (Non-Finnish) descent in gnomAD. At this time, the clinical significance of this variant is uncertain due to the absence of conclusive functional and genetic evidence.

Fulgent Genetics
Classification: Uncertain significance for Bardet-Biedl syndrome 7. Last evaluated: 2024-05-16. Review status: criteria provided, single submitter. Criteria: ACMG Guidelines, 2015. Collection method: clinical testing. Allele origin: germline.

Ambry Genetics
Classification: Uncertain significance for Inborn genetic diseases. Last evaluated: 2023-12-08. Review status: criteria provided, single submitter. Criteria: Ambry Variant Classification Scheme 2023. Collection method: clinical testing. Allele origin: germline.

Labcorp Genetics (formerly Invitae), Labcorp
Classification: Uncertain significance for Bardet-Biedl syndrome. Last evaluated: 2021-11-28. Review status: criteria provided, single submitter. Criteria: Invitae Variant Classification Sherloc (09022015). Collection method: clinical testing. Allele origin: germline.
Comment: This sequence change replaces threonine, which is neutral and polar, with alanine, which is neutral and non-polar, at codon 32 of the BBS7 protein (p.Thr32Ala). This variant is present in population databases (rs749914647, gnomAD 0.002%). This variant has not been reported in the literature in individuals affected with BBS7-related conditions. Algorithms developed to predict the effect of missense changes on protein structure and function output the following: SIFT: "Tolerated"; PolyPhen-2: "Benign"; Align-GVGD: "Class C0". The alanine amino acid residue is found in multiple mammalian species, which suggests that this missense change does not adversely affect protein function. In summary, the available evidence is currently insufficient to determine the role of this variant in disease. Therefore, it has been classified as a Variant of Uncertain Significance.

NM_176824.3(BBS7):c.94A>G (p.Thr32Ala)

Gene: BBS7 (Bardet-Biedl syndrome 7; minus strand). Cytogenetic location: 4q27.
Variant type: single nucleotide variant.
Coding change: c.94A>G on transcript NM_176824.3 (MANE Select); coding-DNA position 94, A replaced by G.
Protein change: p.Thr32Ala; replaces threonine 32 with alanine.
Molecular consequence: missense variant.
Genome position (GRCh38, 1-based): chr4:121,867,989, T>C on the plus strand (A>G on the coding strand, the complement: BBS7 is on the minus strand). VCF-style: chr4-121867989-T-C. GRCh37 (hg19) VCF-style: chr4-122789144-T-C.
Other names: c.94A>G (NM_176824.2); c.94A>G, p.Thr32Ala (NM_018190.4); short protein forms T32A.
Identifiers: ClinVar variation 2193794 (VCV002193794.4), dbSNP rs749914647, ClinGen allele CA3064611.